The following is an entry in ClinVar:

ClinVar aggregate classification (germline): Uncertain significance (1 of 4 stars; one submission).

Conditions:
Ataxia-telangiectasia syndrome (AT). Also called: Ataxia-telangiectasia, complementation group D; AT, COMPLEMENTATION GROUP C; ATAXIA-TELANGIECTASIA, COMPLEMENTATION GROUP A; ATAXIA-TELANGIECTASIA, FRESNO VARIANT; Ataxia-telangiectasia; Ataxia-telangiectasia, complementation group E. Identifiers: Orphanet 100, MedGen C0004135, MONDO:0008840, OMIM 208900.

gnomAD v4.1: 3 of 1,610,194 alleles (0.00019%); highest among the groups gnomAD compares: Middle Eastern, 0.017%; no homozygotes.

Submission:

Labcorp Genetics (formerly Invitae), Labcorp
Classification: Uncertain significance for Ataxia-telangiectasia syndrome. Last evaluated: 2024-12-12. Review status: criteria provided, single submitter. Criteria: Invitae Variant Classification Sherloc (09022015). Collection method: clinical testing. Allele origin: germline.
Comment: This sequence change falls in intron 49 of the ATM gene. It does not directly change the encoded amino acid sequence of the ATM protein. This variant is present in population databases (no rsID available, gnomAD 0.0009%). This variant has not been reported in the literature in individuals affected with ATM-related conditions. Algorithms developed to predict the effect of sequence changes on RNA splicing suggest that this variant may disrupt the consensus splice site. In summary, the available evidence is currently insufficient to determine the role of this variant in disease. Therefore, it has been classified as a Variant of Uncertain Significance.

NM_000051.4(ATM):c.7308-18T>G

Genes: ATM (ATM serine/threonine kinase; plus strand), C11orf65 (chromosome 11 open reading frame 65; minus strand). Cytogenetic location: 11q22.3.
Variant type: single nucleotide variant.
Coding change: c.7308-18T>G on transcript NM_000051.4 (MANE Select); 18 bases into the intron before coding-DNA position 7308, T replaced by G.
Molecular consequence: intron variant.
Genome position (GRCh38, 1-based): chr11:108,330,196, T>G. VCF-style: chr11-108330196-T-G. GRCh37 (hg19) VCF-style: chr11-108200923-T-G.
Other names: c.7308-18T>G (NM_001351834.2); c.641-21125A>C (NM_001330368.2); c.*38+5024A>C (NM_001351110.2).
Identifiers: ClinVar variation 3730779 (VCV003730779.2).